The following is an entry in ClinVar:

ClinVar aggregate classification (germline): Likely pathogenic (1 of 4 stars; one submission).

Submission:

Labcorp Genetics (formerly Invitae), Labcorp
Classification: Likely pathogenic. Last evaluated: 2022-10-09. Review status: criteria provided, single submitter. Criteria: Invitae Variant Classification Sherloc (09022015). Collection method: clinical testing. Allele origin: germline.
Comment: Algorithms developed to predict the effect of sequence changes on RNA splicing suggest that this variant may disrupt the consensus splice site. This variant has not been reported in the literature in individuals affected with LAMC2-related conditions. This variant is not present in population databases (gnomAD no frequency). This sequence change affects an acceptor splice site in intron 2 of the LAMC2 gene. It is expected to disrupt RNA splicing. Variants that disrupt the donor or acceptor splice site typically lead to a loss of protein function (PMID: 16199547), and loss-of-function variants in LAMC2 are known to be pathogenic (PMID: 11907499, 16473856). In summary, the currently available evidence indicates that the variant is pathogenic, but additional data are needed to prove that conclusively. Therefore, this variant has been classified as Likely Pathogenic.

Literature cited by the submitters: PubMed 16199547; PubMed 11907499; PubMed 16473856.

NM_005562.3(LAMC2):c.269-1G>T

Gene: LAMC2 (laminin subunit gamma 2; plus strand). Cytogenetic location: 1q25.3.
Variant type: single nucleotide variant.
Coding change: c.269-1G>T on transcript NM_005562.3 (MANE Select); the canonical splice acceptor site of the intron before coding-DNA position 269, G replaced by T.
Molecular consequence: splice acceptor variant.
Genome position (GRCh38, 1-based): chr1:183,215,452, G>T. VCF-style: chr1-183215452-G-T. GRCh37 (hg19) VCF-style: chr1-183184587-G-T.
Other names: c.269-1G>T (NM_018891.3).
Identifiers: ClinVar variation 2034909 (VCV002034909.4), dbSNP rs2526006147, ClinGen allele CA343673072.
Genomic context (GRCh38, chr1:183,215,452, plus strand): 5'-TGCCGCATACATTAAAATATTTCTTCTTCTTCTTTCCTTTCCCCTACCTTGTGGGTTTCA[G>T]GTTCTCTTAGTGCTCGATGTGACAACTCCGGACGGTGCAGCTGTAAACCAGGTGTGACAG-3'